The following is an entry in ClinVar:

ClinVar aggregate classification (germline): Pathogenic (1 of 4 stars; one submission).

Conditions:
Complement component C1s deficiency. Also called: C1s deficiency; Complement 1s deficiency. Identifiers: MedGen C3151078, MONDO:0013419, OMIM 613783.

Submission:

Women's Health and Genetics/Laboratory Corporation of America, LabCorp
Classification: Pathogenic for Complement component C1s deficiency. Last evaluated: 2026-05-08. Review status: criteria provided, single submitter. Criteria: LabCorp Variant Classification Summary - May 2015. Collection method: clinical testing. Allele origin: germline.
Comment: Variant summary: C1S c.1477delC (p.Gln493ArgfsX43) results in a premature termination codon, in the last exon and is predicted to cause a truncation of the encoded protein, however, nonsense mediated decay is not expected to occur. The variant was absent in 251302 control chromosomes. To our knowledge, no occurrence of c.1477delC in individuals affected with C1S-related conditions and no experimental evidence demonstrating its impact on protein function have been reported. At least one downstream variant has been classified as pathogenic (c.1567C>T, p.Arg523X), providing evidence that the region altered by the variant is critical to protein function. No submitters have cited clinical significance assessments for this variant in ClinVar. To our knowledge, this variant has not been reported in individuals with Ehlers-Danlos syndrome, periodontal type 2. Based on the evidence outlined above, the variant was classified as pathogenic for complement component C1s deficiency.

NM_001734.5(C1S):c.1477del (p.Gln493fs)

Gene: C1S (complement C1s; plus strand). Cytogenetic location: 12p13.31.
Variant type: Deletion.
Coding change: c.1477del on transcript NM_001734.5 (MANE Select); coding-DNA position 1477, one base deleted (C; older notation c.1477delC).
Protein change: p.Gln493fs; shifts the reading frame from glutamine 493.
Molecular consequence: frameshift variant.
Genome position (GRCh38, 1-based): chr12:7,070,061, C deleted. VCF-style (leftmost placement, unchanged base first): chr12-7070060-GC-G. GRCh37 (hg19) VCF-style: chr12-7177364-GC-G.
Other names: c.1477delC (NM_001734.5); c.976del, p.Gln326fs (NM_001346850.2); c.1477del, p.Gln493fs (NM_201442.4); short protein forms Q326fs, Q493fs.
Identifiers: ClinVar variation 4853450 (VCV004853450.1).
Genomic context (GRCh38, chr12:7,070,060, plus strand): 5'-GGCTGCTCATGTTGTGGAGGGAAACAGGGAGCCAACAATGTATGTTGGGTCCACCTCAGT[GC>G]AGACCTCACGGCTGGCAAAATCCAAGATGCTCACTCCTGAGCATGTGTTTATTCATCCGG-3'